The following is an entry in ClinVar:

NM_002931.4(RING1):c.284G>A (p.Arg95Gln)

Gene: RING1 (ring finger protein 1; plus strand). Cytogenetic location: 6p21.32.
Variant type: single nucleotide variant.
Coding change: c.284G>A on transcript NM_002931.4 (MANE Select); coding-DNA position 284, G replaced by A.
Protein change: p.Arg95Gln; replaces arginine 95 with glutamine.
Molecular consequence: missense variant.
Genome position (GRCh38, 1-based): chr6:33,209,959, G>A. VCF-style: chr6-33209959-G-A. GRCh37 (hg19) VCF-style: chr6-33177736-G-A.
Other names: short protein forms R95Q.
Identifiers: ClinVar variation 1185046 (VCV001185046.2), dbSNP rs1204881780, ClinGen allele CA363665637.

ClinVar aggregate classification (germline): Uncertain significance. Review status: criteria provided, single submitter (1 of 4 stars). 2 submissions from 2 submitters: Uncertain significance (1). 1 of the submissions does not count toward it. Last evaluated 2025-05-08.

Allele frequency attached by ClinVar (database versions not stated): TOPMed below 0.00001; gnomAD exomes below 0.00001; gnomAD 0.00001.

Submissions (2):

Ambry Genetics
Classification: Uncertain significance. Last evaluated: 2025-05-08. Review status: criteria provided, single submitter. Criteria: Ambry Variant Classification Scheme 2023. Collection method: clinical testing. Allele origin: germline.
Comment: The c.284G>A (p.R95Q) alteration is located in exon 4 (coding exon 3) of the RING1 gene. This alteration results from a G to A substitution at nucleotide position 284, causing the arginine (R) at amino acid position 95 to be replaced by a glutamine (Q). Based on data from gnomAD (v4.1.0), the A allele has an overall frequency of 0.00012% (2/1614022) total alleles studied. The highest observed frequency was 0.0017% (1/60004) of Admixed American alleles. This variant was determined to be de novo in an individual with developmental delay/intellectual disability, microcephaly, mild IUGR, skin vasculitis, and scoliosis (Pierce, 2018). This variant has also been identified as de novo in an individual with developmental delay/intellectual disability, cerebral atrophy, behavior abnormalities, and dysmorphic facial features; however, this individual was also found to carry a de novo SCN8A variant (Blanchard, 2015). This amino acid position is highly conserved in available vertebrate species. The in silico prediction for this alteration is inconclusive. Based on insufficient or conflicting evidence, the clinical significance of this alteration remains unclear.

OMIM
Classification: Uncertain significance for VARIANT OF UNKNOWN SIGNIFICANCE. Last evaluated: 2021-07-29. Review status: no assertion criteria provided. Collection method: literature only. Allele origin: germline. Not counted in ClinVar's aggregate classification.

Literature cited by the submitters: PubMed 25725044 (cited by Ambry Genetics); PubMed 29386386 (cited by Ambry Genetics and OMIM).